The following is an entry in ClinVar:

NM_030630.3(HID1):c.570C>T (p.Phe190=)

Gene: HID1 (HID1 domain containing; minus strand). Cytogenetic location: 17q25.1.
Variant type: single nucleotide variant.
Coding change: c.570C>T on transcript NM_030630.3 (MANE Select); coding-DNA position 570, C replaced by T.
Protein change: p.Phe190=; no amino-acid change (phenylalanine 190 retained).
Molecular consequence: synonymous variant.
Genome position (GRCh38, 1-based): chr17:74,962,275, G>A on the plus strand (C>T on the coding strand, the complement: HID1 is on the minus strand). VCF-style: chr17-74962275-G-A. GRCh37 (hg19) VCF-style: chr17-72958370-G-A.
Identifiers: ClinVar variation 4280755 (VCV004280755.7).

ClinVar aggregate classification (germline): Benign (1 of 4 stars; one submission).

gnomAD v4.1: 12,433 of 1,611,826 alleles (0.77%); highest among the groups gnomAD compares: Middle Eastern, 4%; 101 homozygotes.

Submission:

CeGaT Center for Human Genetics Tuebingen
Classification: Benign. Last evaluated: 2025-11-01. Review status: criteria provided, single submitter. Criteria: CeGaT Center For Human Genetics Tuebingen Variant Classification Criteria Version 2. Collection method: clinical testing. Allele origin: germline. Affected: yes. Observed: 3 variant alleles.
Comment: HID1: BP4, BP7, BS1, BS2